The following is an entry in ClinVar:

ClinVar aggregate classification (germline): not provided (0 of 4 stars; one submission).

Conditions:
Hyperimmunoglobulin D with periodic fever (HIDS). Also called: HYPERIMMUNOGLOBULINEMIA D AND PERIODIC FEVER SYNDROME; Hyperimmunoglobulinemia D; Hyperimmunoglobulinemia D with periodic fever. Identifiers: Orphanet 343, MedGen C0398691, MONDO:0009849, OMIM 260920.

Submission:

Unité médicale des maladies autoinflammatoires, CHRU Montpellier
No classification provided. Condition: Hyperimmunoglobulin D with periodic fever. Review status: no classification provided. Collection method: not provided. Allele origin: unknown.
Comment: also involved in OMIM 25117

NM_000431.4(MVK):c.769-7dup

Gene: MVK (mevalonate kinase; plus strand). Cytogenetic location: 12q24.11.
Variant type: Duplication.
Coding change: c.769-7dup on transcript NM_000431.4 (MANE Select); 7 bases into the intron before coding-DNA position 769, one base duplicated (T; older notation c.769-7dupT).
Molecular consequence: intron variant.
Genome position (GRCh38, 1-based): chr12:109,591,234, T duplicated; the last of 7 consecutive T bases (chr12:109,591,228-109,591,234); duplicating any one gives the same sequence. VCF-style (leftmost placement, unchanged base first): chr12-109591227-C-CT. GRCh37 (hg19) VCF-style: chr12-110029032-C-CT.
Other names: c.613-7dup (NM_001301182.2); c.769-7dup (NM_001114185.3).
Identifiers: ClinVar variation 97621 (VCV000097621.1), dbSNP rs1555279054, ClinGen allele CA149895.
Genomic context (GRCh38, chr12:109,591,227, plus strand): 5'-CCCACTGCTGGGGCAGCTGTCCTGCATCTGCCTGCCCCCAGGCCTCACCAGCCGTTCCTT[C>CT]TTTTTTTCTCCAGTTCCCAGAGATCGTGGCCCCCCTCCTGACCTCAATAGATGCCATCTC-3'